The following is an entry in ClinVar:

NM_000368.5(TSC1):c.2071C>T (p.Leu691Phe)

Gene: TSC1 (TSC complex subunit 1; minus strand). Cytogenetic location: 9q34.13.
Variant type: single nucleotide variant.
Coding change: c.2071C>T on transcript NM_000368.5 (MANE Select); coding-DNA position 2071, C replaced by T.
Protein change: p.Leu691Phe; replaces leucine 691 with phenylalanine.
Molecular consequence: missense variant.
Genome position (GRCh38, 1-based): chr9:132,903,788, G>A on the plus strand (C>T on the coding strand, the complement: TSC1 is on the minus strand). VCF-style: chr9-132903788-G-A. GRCh37 (hg19) VCF-style: chr9-135779175-G-A.
Other names: c.2068C>T, p.Leu690Phe (NM_001162426.2); c.1918C>T, p.Leu640Phe (NM_001162427.2); c.1708C>T, p.Leu570Phe (NM_001362177.2); short protein forms L691F, L690F, L570F, L640F.
Identifiers: ClinVar variation 466062 (VCV000466062.16), dbSNP rs1554815343, ClinGen allele CA375361113.

ClinVar aggregate classification (germline): Uncertain significance. Review status: criteria provided, multiple submitters, no conflicts (2 of 4 stars). 5 submissions from 5 submitters: Uncertain significance (5). Last evaluated 2026-09-10.

Conditions:
Hereditary cancer-predisposing syndrome. Also called: Neoplastic Syndromes, Hereditary; Hereditary neoplastic syndrome; Hereditary Cancer Syndrome; Tumor predisposition. Identifiers: Orphanet 140162, MedGen C0027672, MeSH D009386, MONDO:0015356.
Tuberous sclerosis 1 (TSC1). Identifiers: Orphanet 805, MedGen C1854465, MONDO:0008612, OMIM 191100.
Tuberous sclerosis syndrome (TSC). Also called: Tuberous Sclerosis Complex; Tuberous sclerosis. Identifiers: Orphanet 805, MedGen C0041341, MONDO:0001734.

Submissions (5):

Ambry Genetics
Classification: Uncertain significance for Hereditary cancer-predisposing syndrome. Last evaluated: 2026-09-10. Review status: criteria provided, single submitter. Criteria: Ambry Variant Classification Scheme 2023. Collection method: clinical testing. Allele origin: germline.
Comment: The p.L691F variant (also known as c.2071C>T), located in coding exon 15 of the TSC1 gene, results from a C to T substitution at nucleotide position 2071. The leucine at codon 691 is replaced by phenylalanine, an amino acid with highly similar properties. This amino acid position is highly conserved in available vertebrate species. In addition, this alteration is predicted to be deleterious by in silico analysis. Based on the available evidence, the clinical significance of this variant remains unclear.

Women's Health and Genetics/Laboratory Corporation of America, LabCorp
Classification: Uncertain significance. Last evaluated: 2025-11-11. Review status: criteria provided, single submitter. Criteria: LabCorp Variant Classification Summary - May 2015. Collection method: clinical testing. Allele origin: germline.
Comment: Variant summary: TSC1 c.2071C>T (p.Leu691Phe) results in a non-conservative amino acid change in the encoded protein sequence. Algorithms developed to predict the effect of missense changes on protein structure and function all suggest that this variant is likely to be disruptive. The variant was absent in 251150 control chromosomes. c.2071C>T has been observed in the heterozygous state in at least 2 individual(s) affected with Tuberous Sclerosis Complex and in at least 1 individual with renal cell cancer (example, Babol-Pokora_2021, Durinck_2015). These data indicate that the variant may be associated with disease. To our knowledge, no experimental evidence demonstrating an impact on protein function has been reported. The following publications have been ascertained in the context of this evaluation (PMID: 34403804, 25401301). ClinVar contains an entry for this variant (Variation ID: 466062). Based on the evidence outlined above, the variant was classified as VUS-possibly pathogenic.

Labcorp Genetics (formerly Invitae), Labcorp
Classification: Uncertain significance for Tuberous sclerosis 1. Last evaluated: 2025-08-28. Review status: criteria provided, single submitter. Criteria: Invitae Variant Classification Sherloc (09022015). Collection method: clinical testing. Allele origin: germline.
Comment: This sequence change replaces leucine, which is neutral and non-polar, with phenylalanine, which is neutral and non-polar, at codon 691 of the TSC1 protein (p.Leu691Phe). This variant is not present in population databases (gnomAD no frequency). This missense change has been observed in individual(s) with tuberous sclerosis complex (PMID: 34403804). ClinVar contains an entry for this variant (Variation ID: 466062). Invitae Evidence Modeling of protein sequence and biophysical properties (such as structural, functional, and spatial information, amino acid conservation, physicochemical variation, residue mobility, and thermodynamic stability) indicates that this missense variant is not expected to disrupt TSC1 protein function with a negative predictive value of 95%. In summary, the available evidence is currently insufficient to determine the role of this variant in disease. Therefore, it has been classified as a Variant of Uncertain Significance.

Color Diagnostics, LLC DBA Color Health
Classification: Uncertain significance for Tuberous sclerosis syndrome. Last evaluated: 2025-07-24. Review status: criteria provided, single submitter. Criteria: ACMG Guidelines, 2015. Collection method: clinical testing. Allele origin: germline.
Comment: This missense variant replaces leucine with phenylalanine at codon 691 of the TSC1 protein. Computational prediction suggests that this variant may have deleterious impact on protein structure and function. To our knowledge, functional studies have not been reported for this variant. This variant has been reported in individuals affected with tuberous schlerosis complex and non-clear cell renal carcinoma in the literature (PMID: 25401301, 34403804). This variant has not been identified in the general population by the Genome Aggregation Database (gnomAD). The available evidence is insufficient to determine the role of this variant in disease conclusively. Therefore, this variant is classified as a Variant of Uncertain Significance.

GeneDx
Classification: Uncertain significance. Last evaluated: 2022-01-20. Review status: criteria provided, single submitter. Criteria: GeneDx Variant Classification Process June 2021. Collection method: clinical testing. Allele origin: germline. Affected: yes.
Comment: Not observed at significant frequency in large population cohorts (gnomAD); In silico analysis supports that this missense variant does not alter protein structure/function; Has not been previously published as pathogenic or benign to our knowledge

Literature cited by the submitters: PubMed 25401301 (cited by 3 submitters); PubMed 34403804 (cited by 3 submitters).